The following is an entry in ClinVar:

NM_000142.5(FGFR3):c.879G>C (p.Val293=)

Gene: FGFR3 (fibroblast growth factor receptor 3; plus strand). Cytogenetic location: 4p16.3.
Variant type: single nucleotide variant.
Coding change: c.879G>C on transcript NM_000142.5 (MANE Select); coding-DNA position 879, G replaced by C.
Protein change: p.Val293=; no amino-acid change (valine 293 retained).
Molecular consequence: synonymous variant. On other transcripts: non-coding transcript variant (1).
Genome position (GRCh38, 1-based): chr4:1,801,974, G>C. VCF-style: chr4-1801974-G-C. GRCh37 (hg19) VCF-style: chr4-1803701-G-C.
Other names: c.879G>C, p.Val293= (NM_001163213.2, NM_001354809.2, NM_001354810.2 and 1 more transcripts).
Identifiers: ClinVar variation 757508 (VCV000757508.13), dbSNP rs757808716, ClinGen allele CA2810001.
Genomic context (GRCh38, chr4:1,801,974, plus strand): 5'-CCACTGCAAGGTGTACAGTGACGCACAGCCCCACATCCAGTGGCTCAAGCACGTGGAGGT[G>C]AATGGCAGCAAGGTGGGCCCGGACGGCACACCCTACGTTACCGTGCTCAAGGTGGGCCAC-3'
Protein context (NP_000133.1, residues 283-303): PHIQWLKHVE[Val293=]NGSKVGPDGT

ClinVar aggregate classification (germline): Likely benign. Review status: criteria provided, single submitter (1 of 4 stars). 2 submissions from 2 submitters: Likely benign (1). 1 of the submissions does not count toward it. Last evaluated 2024-02-10.

Conditions:
FGFR3-related disorder. Also called: FGFR3-related disorders.

Allele frequency attached by ClinVar (database versions not stated): gnomAD exomes 0.00001 and 0.00003; TOPMed 0.00001; ExAC 0.00004.
gnomAD v4.1: 8 of 1,612,778 alleles (0.0005%); highest among the groups gnomAD compares: Admixed American, 0.013%; no homozygotes.

Submissions (2):

Labcorp Genetics (formerly Invitae), Labcorp
Classification: Likely benign. Last evaluated: 2024-02-10. Review status: criteria provided, single submitter. Criteria: Invitae Variant Classification Sherloc (09022015). Collection method: clinical testing. Allele origin: germline.

PreventionGenetics, part of Exact Sciences
Classification: Likely benign for FGFR3-related condition. Last evaluated: 2022-04-14. Review status: no assertion criteria provided. Collection method: clinical testing. Allele origin: germline. Not counted in ClinVar's aggregate classification.
Comment: This variant is classified as likely benign based on ACMG/AMP sequence variant interpretation guidelines (Richards et al. 2015 PMID: 25741868, with internal and published modifications).